The following is an entry in ClinVar:

NM_152618.3(BBS12):c.200G>A (p.Gly67Glu)

Gene: BBS12 (Bardet-Biedl syndrome 12; plus strand). Cytogenetic location: 4q27.
Variant type: single nucleotide variant.
Coding change: c.200G>A on transcript NM_152618.3 (MANE Select); coding-DNA position 200, G replaced by A.
Protein change: p.Gly67Glu; replaces glycine 67 with glutamic acid.
Molecular consequence: missense variant.
Genome position (GRCh38, 1-based): chr4:122,742,092, G>A. VCF-style: chr4-122742092-G-A. GRCh37 (hg19) VCF-style: chr4-123663247-G-A.
Other names: c.200G>A, p.Gly67Glu (NM_001178007.2); short protein forms G67E.
Identifiers: ClinVar variation 847519 (VCV000847519.7), dbSNP rs767546051, ClinGen allele CA3069254.
Genomic context (GRCh38, chr4:122,742,092, plus strand): 5'-GTGTATTAATCAGTTCAACAGTAAGGCTTCTTGAAAGTTTGGATTTAACCAGTGCAGTGG[G>A]ACAACTTCTCAATGAAGCAGTTCAAGCACAAAACAACACATATAGAACTGGAATCAGTAC-3'
Protein context (NP_689831.2, residues 57-77): LESLDLTSAV[Gly67Glu]QLLNEAVQAQ

ClinVar aggregate classification (germline): Uncertain significance. Review status: criteria provided, multiple submitters, no conflicts (2 of 4 stars). 4 submissions from 4 submitters: Uncertain significance (2). 2 of the submissions do not count toward it. Last evaluated 2022-08-02.

Conditions:
BBS12-related disorder. Also called: BBS12-related condition.
Bardet-Biedl syndrome 12 (BBS12). Identifiers: Orphanet 110, MedGen C1859570, MONDO:0014440, OMIM 615989.
Bardet-Biedl syndrome (BBS). Identifiers: Orphanet 110, MedGen C0752166, MONDO:0015229.

Allele frequency attached by ClinVar (database versions not stated): gnomAD exomes 0.00001; ExAC 0.00002; TOPMed 0.00004; gnomAD 0.00005 and 0.00006.
gnomAD v4.1: 31 of 1,613,986 alleles (0.0019%); highest among the groups gnomAD compares: Non-Finnish European, 0.0022%; no homozygotes.

Submissions (4):

Labcorp Genetics (formerly Invitae), Labcorp
Classification: Uncertain significance for Bardet-Biedl syndrome. Last evaluated: 2022-08-02. Review status: criteria provided, single submitter. Criteria: Invitae Variant Classification Sherloc (09022015). Collection method: clinical testing. Allele origin: germline.
Comment: This sequence change replaces glycine, which is neutral and non-polar, with glutamic acid, which is acidic and polar, at codon 67 of the BBS12 protein (p.Gly67Glu). This variant is present in population databases (rs767546051, gnomAD 0.006%). This variant has not been reported in the literature in individuals affected with BBS12-related conditions. ClinVar contains an entry for this variant (Variation ID: 847519). Algorithms developed to predict the effect of missense changes on protein structure and function are either unavailable or do not agree on the potential impact of this missense change (SIFT: "Deleterious"; PolyPhen-2: "Probably Damaging"; Align-GVGD: "Class C0"). In summary, the available evidence is currently insufficient to determine the role of this variant in disease. Therefore, it has been classified as a Variant of Uncertain Significance.

Fulgent Genetics
Classification: Uncertain significance for Bardet-Biedl syndrome 12. Last evaluated: 2021-12-09. Review status: criteria provided, single submitter. Criteria: ACMG Guidelines, 2015. Collection method: clinical testing. Allele origin: unknown.

PreventionGenetics, part of Exact Sciences
Classification: Uncertain significance for BBS12-related condition. Last evaluated: 2024-09-04. Review status: no assertion criteria provided. Collection method: clinical testing. Allele origin: germline. Not counted in ClinVar's aggregate classification.
Comment: The BBS12 c.200G>A variant is predicted to result in the amino acid substitution p.Gly67Glu. This variant has been reported in an individual with severe obesity (reported as G67E in Day et al. 2021. PubMed ID: 33616283). This variant is reported in 0.0031% of alleles in individuals of European (Non-Finnish) descent in gnomAD. At this time, the clinical significance of this variant is uncertain due to the absence of conclusive functional and genetic evidence.

Natera, Inc.
Classification: Uncertain significance for Bardet-Biedl syndrome type 12. Last evaluated: 2020-02-21. Review status: no assertion criteria provided. Collection method: clinical testing. Allele origin: germline. Not counted in ClinVar's aggregate classification.